The following is an entry in ClinVar:

NM_201378.4(PLEC):c.71-11599T>C

Gene: PLEC (plectin; minus strand). Cytogenetic location: 8q24.3.
Variant type: single nucleotide variant.
Coding change: c.71-11599T>C on transcript NM_201378.4 (MANE Plus Clinical); 11599 bases into the intron before coding-DNA position 71, T replaced by C.
Molecular consequence: intron variant. On other transcripts: missense variant (1).
Genome position (GRCh38, 1-based): chr8:143,950,291, A>G on the plus strand (T>C on the coding strand, the complement: PLEC is on the minus strand). VCF-style: chr8-143950291-A-G. GRCh37 (hg19) VCF-style: chr8-145024459-A-G.
Other names: c.416T>C (NM_201380.3); c.416T>C, p.Val139Ala (NM_201380.4); c.194-11599T>C (NM_001410941.1, NM_000445.5); c.46+3435T>C (NM_201379.3); short protein forms V139A.
Identifiers: ClinVar variation 448067 (VCV000448067.45), dbSNP rs201910266, ClinGen allele CA4928929.

ClinVar aggregate classification (germline): Conflicting classifications of pathogenicity. Review status: criteria provided, conflicting classifications (1 of 4 stars). 6 submissions from 6 submitters: Uncertain significance (2); Likely benign (4). Last evaluated 2024-11-26.

Conditions:
PLEC-related disorder. Also called: PLEC-related condition; PLEC-related disorders.

Allele frequency attached by ClinVar (database versions not stated): gnomAD exomes 0.00016; 1000 Genomes Project 30x 0.00094; gnomAD 0.00096 and 0.00090; ExAC 0.00043; ESP Exome Variant Server 0.00076; TOPMed 0.00092; 1000 Genomes Project 0.00080.
gnomAD v4.1: 273 of 1,570,648 alleles (0.017%); highest among the groups gnomAD compares: African/African-American, 0.28%; no homozygotes.

Submissions (6):

Blueprint Genetics
Classification: Likely benign. Last evaluated: 2024-11-26. Review status: criteria provided, single submitter. Criteria: ACMG Guidelines, 2015. Collection method: clinical testing. Allele origin: germline.

PreventionGenetics, part of Exact Sciences
Classification: Likely benign for PLEC-related condition. Last evaluated: 2024-10-11. Review status: criteria provided, single submitter. Criteria: ACMG Guidelines, 2015. Collection method: clinical testing. Allele origin: germline.
Comment: This variant is classified as likely benign based on ACMG/AMP sequence variant interpretation guidelines (Richards et al. 2015 PMID: 25741868, with internal and published modifications).

Revvity Omics, Revvity
Classification: Uncertain significance. Last evaluated: 2024-03-26. Review status: criteria provided, single submitter. Criteria: ACMG Guidelines, 2015. Collection method: clinical testing. Allele origin: germline.

Athena Diagnostics
Classification: Likely benign. Last evaluated: 2020-11-10. Review status: criteria provided, single submitter. Criteria: Athena Diagnostics criteria. Collection method: clinical testing. Allele origin: unknown.

CeGaT Center for Human Genetics Tuebingen
Classification: Uncertain significance. Last evaluated: 2020-03-01. Review status: criteria provided, single submitter. Criteria: CeGaT Center For Human Genetics Tuebingen Variant Classification Criteria Version 2. Collection method: clinical testing. Allele origin: germline. Affected: yes. Observed: 1 variant allele.

GeneDx
Classification: Likely benign. Last evaluated: 2019-12-23. Review status: criteria provided, single submitter. Criteria: GeneDx Variant Classification Process June 2021. Collection method: clinical testing. Allele origin: germline. Affected: yes.